The following is an entry in ClinVar:

ClinVar aggregate classification (germline): Uncertain significance (1 of 4 stars; one submission).

Conditions:
Ataxia-telangiectasia syndrome (AT). Also called: Ataxia-telangiectasia, complementation group D; AT, COMPLEMENTATION GROUP C; ATAXIA-TELANGIECTASIA, COMPLEMENTATION GROUP A; ATAXIA-TELANGIECTASIA, FRESNO VARIANT; Ataxia-telangiectasia, complementation group E; LOUIS-BAR SYNDROME. Identifiers: Orphanet 100, MedGen C0004135, MONDO:0008840, OMIM 208900.

Submission:

Labcorp Genetics (formerly Invitae), Labcorp
Classification: Uncertain significance for Ataxia-telangiectasia syndrome. Last evaluated: 2022-10-15. Review status: criteria provided, single submitter. Criteria: Invitae Variant Classification Sherloc (09022015). Collection method: clinical testing. Allele origin: germline.
Comment: This sequence change replaces proline, which is neutral and non-polar, with alanine, which is neutral and non-polar, at codon 2982 of the ATM protein (p.Pro2982Ala). This variant is not present in population databases (gnomAD no frequency). This variant has not been reported in the literature in individuals affected with ATM-related conditions. Algorithms developed to predict the effect of missense changes on protein structure and function output the following: SIFT: "Tolerated"; PolyPhen-2: "Benign"; Align-GVGD: "Class C0". The alanine amino acid residue is found in multiple mammalian species, which suggests that this missense change does not adversely affect protein function. In summary, the available evidence is currently insufficient to determine the role of this variant in disease. Therefore, it has been classified as a Variant of Uncertain Significance.

NM_000051.4(ATM):c.8944C>G (p.Pro2982Ala)

Genes: ATM (ATM serine/threonine kinase; plus strand), C11orf65 (chromosome 11 open reading frame 65; minus strand). Cytogenetic location: 11q22.3.
Variant type: single nucleotide variant.
Coding change: c.8944C>G on transcript NM_000051.4 (MANE Select); coding-DNA position 8944, C replaced by G.
Protein change: p.Pro2982Ala; replaces proline 2982 with alanine.
Molecular consequence: missense variant. On other transcripts: intron variant (2).
Genome position (GRCh38, 1-based): chr11:108,365,175, C>G. VCF-style: chr11-108365175-C-G. GRCh37 (hg19) VCF-style: chr11-108235902-C-G.
Other names: c.8944C>G, p.Pro2982Ala (NM_001351834.2); c.640+20745G>C (NM_001330368.2); c.694+20745G>C (NM_001351110.2); short protein forms P2982A.
Identifiers: ClinVar variation 1910493 (VCV001910493.2), dbSNP rs1485620194, ClinGen allele CA382530152.